The following is an entry in ClinVar:

NM_000363.5(TNNI3):c.13A>G (p.Ser5Gly)

Gene: TNNI3 (troponin I3, cardiac type; minus strand). Cytogenetic location: 19q13.42.
Variant type: single nucleotide variant.
Coding change: c.13A>G on transcript NM_000363.5 (MANE Select); coding-DNA position 13, A replaced by G.
Protein change: p.Ser5Gly; replaces serine 5 with glycine.
Molecular consequence: missense variant.
Genome position (GRCh38, 1-based): chr19:55,157,307, T>C on the plus strand (A>G on the coding strand, the complement: TNNI3 is on the minus strand). VCF-style: chr19-55157307-T-C. GRCh37 (hg19) VCF-style: chr19-55668675-T-C.
Other names: short protein forms S5G.
Identifiers: ClinVar variation 955066 (VCV000955066.11), dbSNP rs2085740955, ClinGen allele CA407443418.

ClinVar aggregate classification (germline): Uncertain significance. Review status: criteria provided, multiple submitters, no conflicts (2 of 4 stars). 3 submissions from 3 submitters: Uncertain significance (3). Last evaluated 2024-04-28.

Conditions:
Cardiovascular phenotype. Identifiers: MedGen CN230736.
Hypertrophic cardiomyopathy. Also called: HYPERTROPHIC MYOCARDIOPATHY. Identifiers: Orphanet 217569, MedGen C0007194, MeSH D002312, MONDO:0005045, HP:0001639.

Submissions (3):

Ambry Genetics
Classification: Uncertain significance for Cardiovascular phenotype. Last evaluated: 2024-04-28. Review status: criteria provided, single submitter. Criteria: Ambry Variant Classification Scheme 2023. Collection method: clinical testing. Allele origin: germline.
Comment: The p.S5G variant (also known as c.13A>G), located in coding exon 2 of the TNNI3 gene, results from an A to G substitution at nucleotide position 13. The serine at codon 5 is replaced by glycine, an amino acid with similar properties. This amino acid position is conserved. In addition, this alteration is predicted to be tolerated by in silico analysis. Based on the available evidence, the clinical significance of this variant remains unclear.

All of Us Research Program, National Institutes of Health
Classification: Uncertain significance for Hypertrophic cardiomyopathy. Last evaluated: 2023-12-07. Review status: criteria provided, single submitter. Criteria: ACMG Guidelines, 2015. Collection method: clinical testing. Allele origin: germline. Inheritance: Autosomal dominant inheritance. Observed: 2 variant alleles, 2 heterozygotes.
Comment: This missense variant replaces serine with glycine at codon 5 of the TNNI3 protein. Computational prediction suggests that this variant may not impact protein structure and function (internally defined REVEL score threshold <= 0.5, PMID: 27666373). To our knowledge, functional studies have not been reported for this variant. This variant has not been reported in individuals affected with TNNI3-related disorders in the literature. This variant has not been identified in the general population by the Genome Aggregation Database (gnomAD). The available evidence is insufficient to determine the role of this variant in disease conclusively. Therefore, this variant is classified as a Variant of Uncertain Significance.

This study involves interpretation of variants in research participants for the purpose of population health screening. Participant phenotype was not available at the time of variant classification. Additional details can be found in publication PMID: 35346344, PMCID: PMC8962531

Labcorp Genetics (formerly Invitae), Labcorp
Classification: Uncertain significance for Hypertrophic cardiomyopathy. Last evaluated: 2019-10-15. Review status: criteria provided, single submitter. Criteria: Invitae Variant Classification Sherloc (09022015). Collection method: clinical testing. Allele origin: germline.
Comment: This variant has not been reported in the literature in individuals with TNNI3-related conditions. This sequence change replaces serine with glycine at codon 5 of the TNNI3 protein (p.Ser5Gly). The serine residue is highly conserved and there is a small physicochemical difference between serine and glycine. In summary, the available evidence is currently insufficient to determine the role of this variant in disease. Therefore, it has been classified as a Variant of Uncertain Significance. Algorithms developed to predict the effect of missense changes on protein structure and function output the following: SIFT: "Deleterious"; PolyPhen-2: "Not Available"; Align-GVGD: "Class C0". The glycine amino acid residue is found in multiple mammalian species, suggesting that this missense change does not adversely affect protein function. These predictions have not been confirmed by published functional studies and their clinical significance is uncertain. This variant is not present in population databases (ExAC no frequency).